The following is an entry in ClinVar:

NM_001365951.3(KIF1B):c.1144C>A (p.Leu382Ile)

Gene: KIF1B (kinesin family member 1B; plus strand). Cytogenetic location: 1p36.22.
Variant type: single nucleotide variant.
Coding change: c.1144C>A on transcript NM_001365951.3 (MANE Select); coding-DNA position 1144, C replaced by A.
Protein change: p.Leu382Ile; replaces leucine 382 with isoleucine.
Molecular consequence: missense variant.
Genome position (GRCh38, 1-based): chr1:10,278,092, C>A. VCF-style: chr1-10278092-C-A. GRCh37 (hg19) VCF-style: chr1-10338150-C-A.
Other names: c.1144C>A, p.Leu382Ile (NM_001365952.1); c.1126C>A, p.Leu376Ile (NM_001365953.1, NM_015074.3, NM_183416.4); short protein forms L382I, L376I.
Identifiers: ClinVar variation 1799153 (VCV001799153.3), dbSNP rs1410251926, ClinGen allele CA338334478.
Genomic context (GRCh38, chr1:10,278,092, plus strand): 5'-GAGGACCCCAATGCCAAACTGGTTCGTGAATTAAAGGAGGAGGTGACACGGCTGAAGGAC[C>A]TTCTTCGTGCTCAGGGCCTGGGAGATATTATTGATAGTAAGTGAATTAAGGATCGTTACA-3'
Protein context (NP_001352880.1, residues 372-392): LKEEVTRLKD[Leu382Ile]LRAQGLGDII

ClinVar aggregate classification (germline): Uncertain significance (1 of 4 stars; one submission).

Submission:

Ambry Genetics
Classification: Uncertain significance. Last evaluated: 2025-04-11. Review status: criteria provided, single submitter. Criteria: Ambry Variant Classification Scheme 2023. Collection method: clinical testing. Allele origin: germline.
Comment: The p.L376I variant (also known as c.1126C>A), located in coding exon 11 of the KIF1B gene, results from a C to A substitution at nucleotide position 1126. The leucine at codon 376 is replaced by isoleucine, an amino acid with highly similar properties. This amino acid position is highly conserved in available vertebrate species. In addition, the in silico prediction for this alteration is inconclusive. Since supporting evidence is limited at this time, the clinical significance of this alteration remains unclear.